The following is an entry in ClinVar:

NM_004946.3(DOCK2):c.4976G>C (p.Ser1659Thr)

Gene: DOCK2 (dedicator of cytokinesis 2; plus strand). Cytogenetic location: 5q35.1.
Variant type: single nucleotide variant.
Coding change: c.4976G>C on transcript NM_004946.3 (MANE Select); coding-DNA position 4976, G replaced by C.
Protein change: p.Ser1659Thr; replaces serine 1659 with threonine.
Molecular consequence: missense variant. On other transcripts: non-coding transcript variant (1).
Genome position (GRCh38, 1-based): chr5:170,077,819, G>C. VCF-style: chr5-170077819-G-C. GRCh37 (hg19) VCF-style: chr5-169504823-G-C.
Other names: c.4976G>C, p.Ser1659Thr (LRG_1227t1); short protein forms S1659T.
Identifiers: ClinVar variation 542629 (VCV000542629.19), dbSNP rs139644615, ClinGen allele CA3554712.

ClinVar aggregate classification (germline): Benign/Likely benign. Review status: criteria provided, multiple submitters, no conflicts (2 of 4 stars). 3 submissions from 3 submitters: Benign (1); Likely benign (2). Last evaluated 2026-01-13.

Conditions:
DOCK2 deficiency. Also called: Immunodeficiency 40. Identifiers: Orphanet 447737, MedGen C4225328, MONDO:0014637, OMIM 616433.

Allele frequency attached by ClinVar (database versions not stated): gnomAD exomes 0.00078; ExAC 0.00104; gnomAD 0.00314 and 0.00333; 1000 Genomes Project 30x 0.00468; TOPMed 0.00351; ESP Exome Variant Server 0.00354; 1000 Genomes Project 0.00459.
gnomAD v4.1: 901 of 1,613,190 alleles (0.056%); highest among the groups gnomAD compares: African/African-American, 1%; 3 homozygotes.

Submissions (3):

Labcorp Genetics (formerly Invitae), Labcorp
Classification: Benign for DOCK2 deficiency. Last evaluated: 2026-01-13. Review status: criteria provided, single submitter. Criteria: Invitae Variant Classification Sherloc (09022015). Collection method: clinical testing. Allele origin: germline.

CeGaT Center for Human Genetics Tuebingen
Classification: Likely benign. Last evaluated: 2025-11-01. Review status: criteria provided, single submitter. Criteria: CeGaT Center For Human Genetics Tuebingen Variant Classification Criteria Version 2. Collection method: clinical testing. Allele origin: germline. Affected: yes. Observed: 1 variant allele.
Comment: DOCK2: BP4, BS1

Blueprint Genetics
Classification: Likely benign. Last evaluated: 2024-10-16. Review status: criteria provided, single submitter. Criteria: ACMG Guidelines, 2015. Collection method: clinical testing. Allele origin: germline.